The following is an entry in ClinVar:

ClinVar aggregate classification (germline): Uncertain significance. Review status: criteria provided, multiple submitters, no conflicts (2 of 4 stars). 2 submissions from 2 submitters: Uncertain significance (2). Last evaluated 2022-01-15.

Conditions:
Inborn genetic diseases. Identifiers: MedGen C0950123, MeSH D030342.
Dyskeratosis congenita, autosomal dominant 6 (DKCA6). Identifiers: Orphanet 3322, MedGen C4225284, MONDO:0014690, OMIM 616553.

Allele frequency attached by ClinVar (database versions not stated): gnomAD exomes below 0.00001; TOPMed below 0.00001; ExAC 0.00001; ESP Exome Variant Server 0.00008.

Submissions (2):

Ambry Genetics
Classification: Uncertain significance for Inborn genetic diseases. Last evaluated: 2022-01-15. Review status: criteria provided, single submitter. Criteria: Ambry Variant Classification Scheme 2023. Collection method: clinical testing. Allele origin: germline.
Comment: The p.A200S variant (also known as c.598G>T), located in coding exon 4 of the ACD gene, results from a G to T substitution at nucleotide position 598. The alanine at codon 200 is replaced by serine, an amino acid with similar properties. This amino acid position is conserved. In addition, this alteration is predicted to be tolerated by in silico analysis. Since supporting evidence is limited at this time, the clinical significance of this alteration remains unclear.

Labcorp Genetics (formerly Invitae), Labcorp
Classification: Uncertain significance for Dyskeratosis congenita, autosomal dominant 6. Last evaluated: 2021-10-02. Review status: criteria provided, single submitter. Criteria: Invitae Variant Classification Sherloc (09022015). Collection method: clinical testing. Allele origin: germline.
Comment: In summary, the available evidence is currently insufficient to determine the role of this variant in disease. Therefore, it has been classified as a Variant of Uncertain Significance. Algorithms developed to predict the effect of missense changes on protein structure and function output the following: SIFT: "Tolerated"; PolyPhen-2: "Possibly Damaging"; Align-GVGD: "Class C0". The serine amino acid residue is found in multiple mammalian species, which suggests that this missense change does not adversely affect protein function. This variant has not been reported in the literature in individuals affected with ACD-related conditions. This variant is present in population databases (rs377701284, ExAC 0.01%). This sequence change replaces alanine with serine at codon 200 of the ACD protein (p.Ala200Ser). The alanine residue is moderately conserved and there is a moderate physicochemical difference between alanine and serine.

NM_001082486.2(ACD):c.340G>T (p.Ala114Ser)

Gene: ACD (ACD shelterin complex subunit and telomerase recruitment factor; minus strand). Cytogenetic location: 16q22.1.
Variant type: single nucleotide variant.
Coding change: c.340G>T on transcript NM_001082486.2 (MANE Select); coding-DNA position 340, G replaced by T.
Protein change: p.Ala114Ser; replaces alanine 114 with serine.
Molecular consequence: missense variant.
Genome position (GRCh38, 1-based): chr16:67,659,610, C>A on the plus strand (G>T on the coding strand, the complement: ACD is on the minus strand). VCF-style: chr16-67659610-C-A. GRCh37 (hg19) VCF-style: chr16-67693513-C-A.
Other names: c.331G>T, p.Ala111Ser (NM_022914.3); short protein forms A111S, A114S.
Identifiers: ClinVar variation 1442523 (VCV001442523.8), dbSNP rs377701284, ClinGen allele CA8114733.
Genomic context (GRCh38, chr16:67,659,610, plus strand): 5'-GTAGCCGGGGCTGCTCCGTGGGCAGCAGGCTGAAGCGGTCCACCTGGAGATAGAACTCTG[C>A]GGGCTGGAGGAGTTCGGGGGGAAGGGGGGGTCTCAGAATCGTCACGAAGAGTCATGCCCG-3'
Protein context (NP_001075955.2, residues 104-124): HVQVAEGGAP[Ala114Ser]EFYLQVDRFS